The following is an entry in ClinVar:

ClinVar aggregate classification (germline): Conflicting classifications of pathogenicity. Review status: criteria provided, conflicting classifications (1 of 4 stars). 2 submissions from 2 submitters: Uncertain significance (1); Likely benign (1). Last evaluated 2025-09-14.

Allele frequency attached by ClinVar (database versions not stated): 1000 Genomes Project 30x 0.00016; 1000 Genomes Project 0.00020; ESP Exome Variant Server 0.00023; TOPMed 0.00057.
gnomAD v4.1: 282 of 1,613,686 alleles (0.017%); highest among the groups gnomAD compares: African/African-American, 0.15%; no homozygotes.

Submissions (2):

Labcorp Genetics (formerly Invitae), Labcorp
Classification: Uncertain significance. Last evaluated: 2025-09-14. Review status: criteria provided, single submitter. Criteria: Invitae Variant Classification Sherloc (09022015). Collection method: clinical testing. Allele origin: germline.
Comment: This sequence change replaces alanine, which is neutral and non-polar, with valine, which is neutral and non-polar, at codon 99 of the SH2B1 protein (p.Ala99Val). This variant is present in population databases (rs144126859, gnomAD 0.1%), and has an allele count higher than expected for a pathogenic variant. This missense change has been observed in individual(s) with pediatric obesity (PMID: 35562395). ClinVar contains an entry for this variant (Variation ID: 2055158). An algorithm developed to predict the effect of missense changes on protein structure and function outputs the following: PolyPhen-2: "Benign". The valine amino acid residue is found in multiple mammalian species, which suggests that this missense change does not adversely affect protein function. In summary, the available evidence is currently insufficient to determine the role of this variant in disease. Therefore, it has been classified as a Variant of Uncertain Significance.

Ambry Genetics
Classification: Likely benign. Last evaluated: 2021-12-02. Review status: criteria provided, single submitter. Criteria: Ambry Variant Classification Scheme 2023. Collection method: clinical testing. Allele origin: germline.

Literature cited by the submitters: PubMed 35562395 (cited by Labcorp Genetics (formerly Invitae), Labcorp).

NM_001387430.1(SH2B1):c.296C>T (p.Ala99Val)

Gene: SH2B1 (SH2B adaptor protein 1; plus strand). Cytogenetic location: 16p11.2.
Variant type: single nucleotide variant.
Coding change: c.296C>T on transcript NM_001387430.1 (MANE Select); coding-DNA position 296, C replaced by T.
Protein change: p.Ala99Val; replaces alanine 99 with valine.
Molecular consequence: missense variant. On other transcripts: intron variant (1).
Genome position (GRCh38, 1-based): chr16:28,866,390, C>T. VCF-style: chr16-28866390-C-T. GRCh37 (hg19) VCF-style: chr16-28877711-C-T.
Other names: c.296C>T, p.Ala99Val (NM_001145795.2, NM_001145796.2, NM_001145797.2 and 4 more transcripts); c.-26-984C>T (NM_001308294.2); short protein forms A99V.
Identifiers: ClinVar variation 2055158 (VCV002055158.5), dbSNP rs144126859, ClinGen allele CA7985894.